The following is an entry in ClinVar:

NM_147127.5(EVC2):c.1991dup (p.Lys665fs)

Gene: EVC2 (EvC ciliary complex subunit 2; minus strand). Cytogenetic location: 4p16.2.
Variant type: Duplication.
Coding change: c.1991dup on transcript NM_147127.5 (MANE Select); coding-DNA position 1991, one base duplicated (A; older notation c.1991dupA).
Protein change: p.Lys665fs; shifts the reading frame from lysine 665.
Molecular consequence: frameshift variant.
Genome position (GRCh38, 1-based): chr4:5,625,804, T duplicated on the plus strand (A on the coding strand, the reverse complement: EVC2 is on the minus strand); the first of 4 consecutive T bases (chr4:5,625,804-5,625,807); duplicating any one gives the same sequence. VCF-style (leftmost placement, unchanged base first): chr4-5625803-C-CT. GRCh37 (hg19) VCF-style: chr4-5627530-C-CT.
Other names: c.1751dup, p.Lys585fs (NM_001166136.2); short protein forms K585fs, K665fs.
Identifiers: ClinVar variation 1376270 (VCV001376270.9), dbSNP rs2108843224, ClinGen allele CA2573138248.
Genomic context (GRCh38, chr4:5,625,803, plus strand): 5'-ATATACCTTTTGTAGCAACTCTCGTCTTCTCTTAGTTATTAATTTTTGGTGGAGCTTTTT[C>CT]TTTTCCTGCTTTAAGTCATTGTCCAACTTCTGCTTGATTGAAAAGACTTCTGTCTGAGCC-3'

ClinVar aggregate classification (germline): Pathogenic (1 of 4 stars; one submission).

Conditions:
Ellis-van Creveld syndrome (EVC). Also called: Chondroectodermal dysplasia; EVC-Related Ellis-van Creveld Syndrome; EVC2-Related Ellis-van Creveld Syndrome; MESOECTODERMAL DYSPLASIA. Identifiers: Orphanet 289, MedGen C0013903, MONDO:0009162, OMIM 225500.
Curry-Hall syndrome (WAD). Also called: WEYERS ACRODENTAL DYSOSTOSIS. Identifiers: Orphanet 952, MedGen C0457013, MONDO:0008673, OMIM 193530.

Submission:

Labcorp Genetics (formerly Invitae), Labcorp
Classification: Pathogenic for Curry-Hall syndrome; Ellis-van Creveld syndrome. Last evaluated: 2021-03-23. Review status: criteria provided, single submitter. Criteria: Invitae Variant Classification Sherloc (09022015). Collection method: clinical testing. Allele origin: germline.
Comment: For these reasons, this variant has been classified as Pathogenic. This variant has been observed in individual(s) with autosomal recessive Ellis-van Creveld syndrome (PMID: 31645978). It has also been observed to segregate with disease in related individuals. This variant is not present in population databases (ExAC no frequency). This sequence change creates a premature translational stop signal (p.Lys665Glufs*10) in the EVC2 gene. It is expected to result in an absent or disrupted protein product. Loss-of-function variants in EVC2 are known to be pathogenic (PMID: 17024374, 19810119, 19876929).

Literature cited by the submitters: PubMed 31645978; PubMed 17024374; PubMed 19810119; PubMed 19876929.